The following is an entry in ClinVar:

ClinVar aggregate classification (germline): Uncertain significance. Review status: criteria provided, multiple submitters, no conflicts (2 of 4 stars). 2 submissions from 2 submitters: Uncertain significance (2). Last evaluated 2022-03-26.

Conditions:
Brown-Vialetto-van Laere syndrome 1. Also called: BROWN-VIALETTO-VAN LAERE SYNDROME 1, MILD; BULBAR PALSY, PROGRESSIVE, WITH SENSORINEURAL DEAFNESS; PONTOBULBAR PALSY WITH DEAFNESS. Identifiers: Orphanet 572550, Orphanet 97229, MedGen C0796274, MONDO:0024537, OMIM 211530.
Inborn genetic diseases. Identifiers: MedGen C0950123, MeSH D030342.

Submissions (2):

Labcorp Genetics (formerly Invitae), Labcorp
Classification: Uncertain significance for Brown-Vialetto-van Laere syndrome 1. Last evaluated: 2022-03-26. Review status: criteria provided, single submitter. Criteria: Invitae Variant Classification Sherloc (09022015). Collection method: clinical testing. Allele origin: germline.
Comment: This variant has not been reported in the literature in individuals affected with SLC52A3-related conditions. In summary, the available evidence is currently insufficient to determine the role of this variant in disease. Therefore, it has been classified as a Variant of Uncertain Significance. Algorithms developed to predict the effect of missense changes on protein structure and function (SIFT, PolyPhen-2, Align-GVGD) all suggest that this variant is likely to be disruptive. This variant is not present in population databases (gnomAD no frequency). This sequence change replaces serine, which is neutral and polar, with arginine, which is basic and polar, at codon 425 of the SLC52A3 protein (p.Ser425Arg).

Ambry Genetics
Classification: Uncertain significance for Inborn genetic diseases. Last evaluated: 2021-08-10. Review status: criteria provided, single submitter. Criteria: Ambry Variant Classification Scheme 2023. Collection method: clinical testing. Allele origin: germline.

NM_033409.4(SLC52A3):c.1273A>C (p.Ser425Arg)

Gene: SLC52A3 (solute carrier family 52 member 3; minus strand). Cytogenetic location: 20p13.
Variant type: single nucleotide variant.
Coding change: c.1273A>C on transcript NM_033409.4 (MANE Select); coding-DNA position 1273, A replaced by C.
Protein change: p.Ser425Arg; replaces serine 425 with arginine.
Molecular consequence: missense variant.
Genome position (GRCh38, 1-based): chr20:761,163, T>G on the plus strand (A>C on the coding strand, the complement: SLC52A3 is on the minus strand). VCF-style: chr20-761163-T-G. GRCh37 (hg19) VCF-style: chr20-741807-T-G.
Other names: c.1273A>C, p.Ser425Arg (NM_001370085.1, NM_001370086.1); short protein forms S425R.
Identifiers: ClinVar variation 2037693 (VCV002037693.5), dbSNP rs2122505966, ClinGen allele CA407961982.